The following is an entry in ClinVar:

ClinVar aggregate classification (germline): Uncertain significance. Review status: criteria provided, multiple submitters, no conflicts (2 of 4 stars). 2 submissions from 2 submitters: Uncertain significance (2). Last evaluated 2025-04-12.

Conditions:
Inborn genetic diseases. Identifiers: MedGen C0950123, MeSH D030342.

Allele frequency attached by ClinVar (database versions not stated): TOPMed 0.00002; ExAC 0.00003; gnomAD 0.00003; gnomAD exomes 0.00005; 1000 Genomes Project 30x 0.00016; 1000 Genomes Project 0.00020.
gnomAD v4.1: 78 of 1,601,492 alleles (0.0049%); highest among the groups gnomAD compares: Non-Finnish European, 0.0058%; no homozygotes.

Submissions (2):

Labcorp Genetics (formerly Invitae), Labcorp
Classification: Uncertain significance. Last evaluated: 2025-04-12. Review status: criteria provided, single submitter. Criteria: Invitae Variant Classification Sherloc (09022015). Collection method: clinical testing. Allele origin: germline.
Comment: This sequence change replaces arginine, which is basic and polar, with cysteine, which is neutral and slightly polar, at codon 602 of the HR protein (p.Arg602Cys). The frequency data for this variant in the population databases is considered unreliable, as metrics indicate poor data quality at this position in the gnomAD database. This variant has not been reported in the literature in individuals affected with HR-related conditions. ClinVar contains an entry for this variant (Variation ID: 2316388). An algorithm developed to predict the effect of missense changes on protein structure and function (PolyPhen-2) suggests that this variant is likely to be disruptive. In summary, the available evidence is currently insufficient to determine the role of this variant in disease. Therefore, it has been classified as a Variant of Uncertain Significance.

Ambry Genetics
Classification: Uncertain significance for Inborn genetic diseases. Last evaluated: 2022-10-04. Review status: criteria provided, single submitter. Criteria: Ambry Variant Classification Scheme 2023. Collection method: clinical testing. Allele origin: germline.

NM_005144.5(HR):c.1804C>T (p.Arg602Cys)

Gene: HR (HR lysine demethylase and nuclear receptor corepressor; minus strand). Cytogenetic location: 8p21.3.
Variant type: single nucleotide variant.
Coding change: c.1804C>T on transcript NM_005144.5 (MANE Select); coding-DNA position 1804, C replaced by T.
Protein change: p.Arg602Cys; replaces arginine 602 with cysteine.
Molecular consequence: missense variant.
Genome position (GRCh38, 1-based): chr8:22,123,760, G>A on the plus strand (C>T on the coding strand, the complement: HR is on the minus strand). VCF-style: chr8-22123760-G-A. GRCh37 (hg19) VCF-style: chr8-21981273-G-A.
Other names: c.1804C>T, p.Arg602Cys (NM_018411.4); short protein forms R602C.
Identifiers: ClinVar variation 2316388 (VCV002316388.3), dbSNP rs202101534, ClinGen allele CA4662344.